The following is an entry in ClinVar:

NM_013372.7(GREM1):c.362A>G (p.Gln121Arg)

Gene: GREM1 (gremlin 1, DAN family BMP antagonist; plus strand). Cytogenetic location: 15q13.3.
Variant type: single nucleotide variant.
Coding change: c.362A>G on transcript NM_013372.7 (MANE Select); coding-DNA position 362, A replaced by G.
Protein change: p.Gln121Arg; replaces glutamine 121 with arginine.
Molecular consequence: missense variant.
Genome position (GRCh38, 1-based): chr15:32,731,052, A>G. VCF-style: chr15-32731052-A-G. GRCh37 (hg19) VCF-style: chr15-33023253-A-G.
Other names: c.152A>G, p.Gln51Arg (NM_001191322.2); c.239A>G, p.Gln80Arg (NM_001191323.2); c.362A>G, p.Gln121Arg (NM_001368719.1); short protein forms Q51R, Q80R, Q121R.
Identifiers: ClinVar variation 3282663 (VCV003282663.1).
Genomic context (GRCh38, chr15:32,731,052, plus strand): 5'-AGACCATCCACGAGGAAGGCTGCAACAGTCGCACCATCATCAACCGCTTCTGTTACGGCC[A>G]GTGCAACTCTTTCTACATCCCCAGGCACATCCGGAAGGAGGAAGGTTCCTTTCAGTCCTG-3'
Protein context (NP_037504.1, residues 111-131): RTIINRFCYG[Gln121Arg]CNSFYIPRHI

ClinVar aggregate classification (germline): Uncertain significance (1 of 4 stars; one submission).

Conditions:
Hereditary cancer-predisposing syndrome. Also called: Tumor predisposition; Hereditary Cancer Syndrome; Hereditary neoplastic syndrome; Neoplastic Syndromes, Hereditary. Identifiers: Orphanet 140162, MedGen C0027672, MeSH D009386, MONDO:0015356.

Submission:

Ambry Genetics
Classification: Uncertain significance for Hereditary cancer-predisposing syndrome. Last evaluated: 2024-05-18. Review status: criteria provided, single submitter. Criteria: Ambry Variant Classification Scheme 2023. Collection method: clinical testing. Allele origin: germline.
Comment: The p.Q121R variant (also known as c.362A>G), located in coding exon 1 of the GREM1 gene, results from an A to G substitution at nucleotide position 362. The glutamine at codon 121 is replaced by arginine, an amino acid with highly similar properties. This amino acid position is conserved. In addition, this alteration is predicted to be deleterious by in silico analysis. Based on the available evidence, the clinical significance of this variant remains unclear.